The following is an entry in ClinVar:

ClinVar aggregate classification (germline): Uncertain significance (1 of 4 stars; one submission).

gnomAD v4.1: 1 of 1,550,010 alleles (0.000065%); highest among the groups gnomAD compares: East Asian, 0.0024%; no homozygotes.

Submission:

GeneDx
Classification: Uncertain significance. Last evaluated: 2026-04-23. Review status: criteria provided, single submitter. Criteria: GeneDx Variant Classification Process June 2021. Collection method: clinical testing. Allele origin: germline.
Comment: Not observed at significant frequency in large population cohorts (gnomAD); In silico analysis supports that this missense variant has a deleterious effect on protein structure/function; Has not been previously published as pathogenic or benign to our knowledge

NM_001039141.3(TRIOBP):c.6326A>G (p.Glu2109Gly)

Gene: TRIOBP (TRIO and F-actin binding protein; plus strand). Cytogenetic location: 22q13.1.
Variant type: single nucleotide variant.
Coding change: c.6326A>G on transcript NM_001039141.3 (MANE Select); coding-DNA position 6326, A replaced by G.
Protein change: p.Glu2109Gly; replaces glutamic acid 2109 with glycine.
Molecular consequence: missense variant.
Genome position (GRCh38, 1-based): chr22:37,765,671, A>G. VCF-style: chr22-37765671-A-G. GRCh37 (hg19) VCF-style: chr22-38161678-A-G.
Other names: c.1187A>G, p.Glu396Gly (NM_007032.5); short protein forms E2109G, E396G.
Identifiers: ClinVar variation 5037494 (VCV005037494.1).